The following is an entry in ClinVar:

NM_000179.3(MSH6):c.3850A>T (p.Thr1284Ser)

Gene: MSH6 (mutS homolog 6; plus strand). Cytogenetic location: 2p16.3.
Variant type: single nucleotide variant.
Coding change: c.3850A>T on transcript NM_000179.3 (MANE Select); coding-DNA position 3850, A replaced by T.
Protein change: p.Thr1284Ser; replaces threonine 1284 with serine.
Molecular consequence: missense variant.
Genome position (GRCh38, 1-based): chr2:47,806,500, A>T. VCF-style: chr2-47806500-A-T. GRCh37 (hg19) VCF-style: chr2-48033639-A-T.
Other names: c.3460A>T, p.Thr1154Ser (NM_001281492.2); c.2944A>T, p.Thr982Ser (NM_001281493.2, NM_001281494.2, NM_001406811.1 and 6 more transcripts); c.3946A>T, p.Thr1316Ser (NM_001406795.1); c.3850A>T, p.Thr1284Ser (NM_001406796.1, NM_001406808.1, NM_001406809.1); c.3553A>T, p.Thr1185Ser (NM_001406797.1, NM_001406801.1, NM_001406805.1 and 10 more transcripts); c.3676A>T, p.Thr1226Ser (NM_001406798.1); c.3325A>T, p.Thr1109Ser (NM_001406799.1, NM_001406806.1, NM_001406807.1); c.3837A>T, p.Leu1279Phe (NM_001406800.1); and 8 more; short protein forms L1279F, T1226S, T1228S, T1284S, T982S, T1286S, T211S, T762S.
Identifiers: ClinVar variation 2099301 (VCV002099301.5), dbSNP rs1114167743, ClinGen allele CA346761309.

ClinVar aggregate classification (germline): Uncertain significance. Review status: criteria provided, multiple submitters, no conflicts (2 of 4 stars). 2 submissions from 2 submitters: Uncertain significance (2). Last evaluated 2024-01-02.

Conditions:
Hereditary nonpolyposis colorectal neoplasms. Identifiers: MedGen C0009405, MeSH D003123.
Hereditary cancer-predisposing syndrome. Also called: Hereditary neoplastic syndrome; Neoplastic Syndromes, Hereditary; Tumor predisposition; Hereditary Cancer Syndrome. Identifiers: Orphanet 140162, MedGen C0027672, MeSH D009386, MONDO:0015356.

Submissions (2):

Color Diagnostics, LLC DBA Color Health
Classification: Uncertain significance for Hereditary cancer-predisposing syndrome. Last evaluated: 2024-01-02. Review status: criteria provided, single submitter. Criteria: ACMG Guidelines, 2015. Collection method: clinical testing. Allele origin: germline.
Comment: This missense variant replaces threonine with serine at codon 1284 of the MSH6 protein. Computational prediction suggests that this variant may have deleterious impact on protein structure and function (internally defined REVEL score threshold >= 0.7, PMID: 27666373). To our knowledge, functional studies have not been reported for this variant. This variant has not been reported in individuals affected with MSH6-related disorders in the literature. This variant has not been identified in the general population by the Genome Aggregation Database (gnomAD). The available evidence is insufficient to determine the role of this variant in disease conclusively. Therefore, this variant is classified as a Variant of Uncertain Significance.

Labcorp Genetics (formerly Invitae), Labcorp
Classification: Uncertain significance for Hereditary nonpolyposis colorectal neoplasms. Last evaluated: 2022-02-19. Review status: criteria provided, single submitter. Criteria: Invitae Variant Classification Sherloc (09022015). Collection method: clinical testing. Allele origin: germline.
Comment: In summary, the available evidence is currently insufficient to determine the role of this variant in disease. Therefore, it has been classified as a Variant of Uncertain Significance. Algorithms developed to predict the effect of missense changes on protein structure and function (SIFT, PolyPhen-2, Align-GVGD) all suggest that this variant is likely to be disruptive. This variant has not been reported in the literature in individuals affected with MSH6-related conditions. This variant is not present in population databases (gnomAD no frequency). This sequence change replaces threonine, which is neutral and polar, with serine, which is neutral and polar, at codon 1284 of the MSH6 protein (p.Thr1284Ser).